The following is an entry in ClinVar:

ClinVar aggregate classification (germline): Uncertain significance (1 of 4 stars; one submission).

Conditions:
Left ventricular noncompaction 1 (LVNC1). Also called: LEFT VENTRICULAR NONCOMPACTION 1 WITH OR WITHOUT CONGENITAL HEART DEFECTS. Identifiers: Orphanet 54260, MedGen C1858725, MONDO:0011403, OMIM 604169.

Submission:

Labcorp Genetics (formerly Invitae), Labcorp
Classification: Uncertain significance for Left ventricular noncompaction 1. Last evaluated: 2023-08-17. Review status: criteria provided, single submitter. Criteria: Invitae Variant Classification Sherloc (09022015). Collection method: clinical testing. Allele origin: germline.
Comment: This variant is not present in population databases (gnomAD no frequency). This sequence change affects codon 638 of the DTNA mRNA. It is a 'silent' change, meaning that it does not change the encoded amino acid sequence of the DTNA protein. Algorithms developed to predict the effect of sequence changes on RNA splicing suggest that this variant may create or strengthen a splice site. This variant has not been reported in the literature in individuals affected with DTNA-related conditions. In summary, the available evidence is currently insufficient to determine the role of this variant in disease. Therefore, it has been classified as a Variant of Uncertain Significance.

NM_001386795.1(DTNA):c.1995G>A (p.Glu665=)

Gene: DTNA (dystrobrevin alpha; plus strand). Cytogenetic location: 18q12.1.
Variant type: single nucleotide variant.
Coding change: c.1995G>A on transcript NM_001386795.1 (MANE Select); coding-DNA position 1995, G replaced by A.
Protein change: p.Glu665=; no amino-acid change (glutamic acid 665 retained).
Molecular consequence: synonymous variant.
Genome position (GRCh38, 1-based): chr18:34,879,552, G>A. VCF-style: chr18-34879552-G-A. GRCh37 (hg19) VCF-style: chr18-32459516-G-A.
Other names: c.1734G>A, p.Glu578= (NM_001198938.2, NM_001198940.2, NM_001386753.1 and 5 more transcripts); c.1755G>A, p.Glu585= (NM_001198939.2); c.1041G>A, p.Glu347= (NM_001198942.1); c.984G>A, p.Glu328= (NM_001198943.1); c.870G>A, p.Glu290= (NM_001198944.1); c.1824G>A, p.Glu608= (NM_001386754.1, NM_001386755.1, NM_001386756.1 and 3 more transcripts); c.1821G>A, p.Glu607= (NM_001386760.1); c.1743G>A, p.Glu581= (NM_001386761.1, NM_032975.4); and 5 more.
Identifiers: ClinVar variation 2745937 (VCV002745937.3), dbSNP rs897354169, ClinGen allele CA297801908.